The following is an entry in ClinVar:

ClinVar aggregate classification (germline): Uncertain significance (1 of 4 stars; one submission).

Conditions:
Gastrointestinal stromal tumor. Also called: Gastrointestinal stromal tumor, somatic; Gastrointestinal stroma tumor. Identifiers: Orphanet 44890, MedGen C0238198, MeSH D046152, MONDO:0011719, OMIM 606764, HP:0100723.
Pheochromocytoma/paraganglioma syndrome 3. Also called: GLOMUS TUMORS, FAMILIAL, 3; Paragangliomas 3; SDHC-Related Hereditary Paraganglioma-Pheochromocytoma Syndrome (Paragangliomas 3); SDHC-Related Hereditary Paraganglioma-Pheochromocytoma Syndrome. Identifiers: Orphanet 29072, MedGen C1854336, MONDO:0011544, OMIM 605373.

Submission:

Labcorp Genetics (formerly Invitae), Labcorp
Classification: Uncertain significance for Pheochromocytoma/paraganglioma syndrome 3; Gastrointestinal stromal tumor. Last evaluated: 2023-07-18. Review status: criteria provided, single submitter. Criteria: Invitae Variant Classification Sherloc (09022015). Collection method: clinical testing. Allele origin: germline.
Comment: In summary, the available evidence is currently insufficient to determine the role of this variant in disease. Therefore, it has been classified as a Variant of Uncertain Significance. An algorithm developed to predict the effect of missense changes on protein structure and function (PolyPhen-2) suggests that this variant is likely to be tolerated. This variant has not been reported in the literature in individuals affected with SDHC-related conditions. This variant is not present in population databases (gnomAD no frequency). This sequence change replaces cysteine, which is neutral and slightly polar, with serine, which is neutral and polar, at codon 13 of the SDHC protein (p.Cys13Ser).

NM_003001.5(SDHC):c.37T>A (p.Cys13Ser)

Gene: SDHC (succinate dehydrogenase complex subunit C; plus strand). Cytogenetic location: 1q23.3.
Variant type: single nucleotide variant.
Coding change: c.37T>A on transcript NM_003001.5 (MANE Select); coding-DNA position 37, T replaced by A.
Protein change: p.Cys13Ser; replaces cysteine 13 with serine.
Molecular consequence: missense variant. On other transcripts: 5 prime UTR variant (2), non-coding transcript variant (1), intron variant (4).
Genome position (GRCh38, 1-based): chr1:161,323,630, T>A. VCF-style: chr1-161323630-T-A. GRCh37 (hg19) VCF-style: chr1-161293420-T-A.
Other names: c.37T>A, p.Cys13Ser (NM_001035511.3, NM_001035512.3, NM_001278172.3 and 2 more transcripts); c.-75T>A (NM_001407119.1); c.-193T>A (NM_001407120.1); c.21-4766T>A (NM_001407116.1, NM_001407121.1, NM_001407117.1); c.20+9205T>A (NM_001035513.3); short protein forms C13S.
Identifiers: ClinVar variation 2950017 (VCV002950017.3), dbSNP rs2526332513, ClinGen allele CA343359358.
Genomic context (GRCh38, chr1:161,323,630, plus strand): 5'-TGATCTCTAAATGTGTATTGATTTTTGATTCTCTTATCTTGCAGACACGTTGGTCGTCAT[T>A]GCCTCCGAGCCCACTTTAGCCCTCAGCTCTGTATCAGAAAGTAAGTTTCTAAGTCTGGAG-3'
Protein context (NP_002992.1, residues 3-23): ALLLRHVGRH[Cys13Ser]LRAHFSPQLC